The following is an entry in ClinVar:

ClinVar aggregate classification (germline): Uncertain significance. Review status: criteria provided, multiple submitters, no conflicts (2 of 4 stars). 2 submissions from 2 submitters: Uncertain significance (2). Last evaluated 2023-12-04.

Allele frequency attached by ClinVar (database versions not stated): gnomAD 0.00001; TOPMed 0.00001; ExAC 0.00002; gnomAD exomes 0.00002.

Submissions (2):

GeneDx
Classification: Uncertain significance. Last evaluated: 2023-12-04. Review status: criteria provided, single submitter. Criteria: GeneDx Variant Classification Process June 2021. Collection method: clinical testing. Allele origin: germline. Affected: yes.
Comment: In silico analysis supports that this missense variant does not alter protein structure/function; Has not been previously published as pathogenic or benign to our knowledge

Labcorp Genetics (formerly Invitae), Labcorp
Classification: Uncertain significance. Last evaluated: 2023-04-21. Review status: criteria provided, single submitter. Criteria: Invitae Variant Classification Sherloc (09022015). Collection method: clinical testing. Allele origin: germline.
Comment: In summary, the available evidence is currently insufficient to determine the role of this variant in disease. Therefore, it has been classified as a Variant of Uncertain Significance. Advanced modeling of protein sequence and biophysical properties (such as structural, functional, and spatial information, amino acid conservation, physicochemical variation, residue mobility, and thermodynamic stability) performed at Invitae indicates that this missense variant is not expected to disrupt TRRAP protein function. This variant has not been reported in the literature in individuals affected with TRRAP-related conditions. This variant is present in population databases (rs781665820, gnomAD 0.01%). This sequence change replaces glutamic acid, which is acidic and polar, with glutamine, which is neutral and polar, at codon 2586 of the TRRAP protein (p.Glu2586Gln).

NM_001375524.1(TRRAP):c.7831G>C (p.Glu2611Gln)

Gene: TRRAP (transformation/transcription domain associated protein; plus strand). Cytogenetic location: 7q22.1.
Variant type: single nucleotide variant.
Coding change: c.7831G>C on transcript NM_001375524.1 (MANE Select); coding-DNA position 7831, G replaced by C.
Protein change: p.Glu2611Gln; replaces glutamic acid 2611 with glutamine.
Molecular consequence: missense variant.
Genome position (GRCh38, 1-based): chr7:98,971,937, G>C. VCF-style: chr7-98971937-G-C. GRCh37 (hg19) VCF-style: chr7-98569560-G-C.
Other names: c.7756G>C (NM_003496.3); c.7810G>C, p.Glu2604Gln (NM_001244580.2); c.7756G>C, p.Glu2586Gln (NM_003496.4); short protein forms E2586Q, E2611Q, E2604Q.
Identifiers: ClinVar variation 2721960 (VCV002721960.4), dbSNP rs781665820, ClinGen allele CA4361239.